The following is an entry in ClinVar:

NM_006035.4(CDC42BPB):c.3496C>G (p.His1166Asp)

Gene: CDC42BPB (CDC42 binding protein kinase beta; minus strand). Cytogenetic location: 14q32.32.
Variant type: single nucleotide variant.
Coding change: c.3496C>G on transcript NM_006035.4 (MANE Select); coding-DNA position 3496, C replaced by G.
Protein change: p.His1166Asp; replaces histidine 1166 with aspartic acid.
Molecular consequence: missense variant.
Genome position (GRCh38, 1-based): chr14:102,947,756, G>C on the plus strand (C>G on the coding strand, the complement: CDC42BPB is on the minus strand). VCF-style: chr14-102947756-G-C. GRCh37 (hg19) VCF-style: chr14-103414093-G-C.
Other names: c.3418C>G, p.His1140Asp (NM_001411054.1); short protein forms H1140D, H1166D.
Identifiers: ClinVar variation 5017147 (VCV005017147.1).

ClinVar aggregate classification (germline): Uncertain significance (1 of 4 stars; one submission).

Submission:

GeneDx
Classification: Uncertain significance. Last evaluated: 2026-03-27. Review status: criteria provided, single submitter. Criteria: GeneDx Variant Classification Process June 2021. Collection method: clinical testing. Allele origin: germline.
Comment: Not observed at significant frequency in large population cohorts (gnomAD); In silico analysis supports that this missense variant has a deleterious effect on protein structure/function; Has not been previously published as pathogenic or benign to our knowledge